The following is an entry in ClinVar:

ClinVar aggregate classification (germline): Uncertain significance (1 of 4 stars; one submission).

Allele frequency attached by ClinVar (database versions not stated): ExAC 0.00001; gnomAD 0.00002; gnomAD exomes 0.00002; TOPMed 0.00003; ESP Exome Variant Server 0.00009.
gnomAD v4.1: 31 of 1,184,531 alleles (0.0026%); highest among the groups gnomAD compares: Non-Finnish European, 0.0025%; no homozygotes.

Submission:

Labcorp Genetics (formerly Invitae), Labcorp
Classification: Uncertain significance. Last evaluated: 2025-03-27. Review status: criteria provided, single submitter. Criteria: Invitae Variant Classification Sherloc (09022015). Collection method: clinical testing. Allele origin: germline.
Comment: This sequence change falls in intron 7 of the MBTPS2 gene. It does not directly change the encoded amino acid sequence of the MBTPS2 protein. It affects a nucleotide within the consensus splice site. This variant is not present in population databases (gnomAD no frequency). This variant has not been reported in the literature in individuals affected with MBTPS2-related conditions. ClinVar contains an entry for this variant (Variation ID: 1922608). Variants that disrupt the consensus splice site are a relatively common cause of aberrant splicing (PMID: 17576681, 9536098). Algorithms developed to predict the effect of sequence changes on RNA splicing suggest that this variant is not likely to affect RNA splicing. In summary, the available evidence is currently insufficient to determine the role of this variant in disease. Therefore, it has been classified as a Variant of Uncertain Significance.

Literature cited by the submitters: PubMed 17576681; PubMed 9536098.

NM_015884.4(MBTPS2):c.970+4T>A

Gene: MBTPS2 (membrane bound transcription factor peptidase, site 2; plus strand). Cytogenetic location: Xp22.12.
Variant type: single nucleotide variant.
Coding change: c.970+4T>A on transcript NM_015884.4 (MANE Select); 4 bases into the intron after coding-DNA position 970, T replaced by A.
Molecular consequence: intron variant.
Genome position (GRCh38, 1-based): chrX:21,869,682, T>A. VCF-style: chrX-21869682-T-A. GRCh37 (hg19) VCF-style: chrX-21887800-T-A.
Identifiers: ClinVar variation 1922608 (VCV001922608.5), dbSNP rs377760119, ClinGen allele CA10367612.
Genomic context (GRCh38, chrX:21,869,682, plus strand): 5'-AAATTGGTTACTGTATAAGTGCATCAACTTTACAGCAGTTAAGTTTCCCAGTTAGAGGTG[T>A]GTATATTTCCTCAATATAATATAATGCTTCAAGCACCAGTACCTGCCATTCACTAATCCT-3'